The following is an entry in ClinVar:

ClinVar aggregate classification (germline): Uncertain significance (1 of 4 stars; one submission).

gnomAD v4.1: 1 of 1,614,168 alleles (0.000062%); highest among the groups gnomAD compares: Non-Finnish European, 0.000085%; no homozygotes.

Submission:

GeneDx
Classification: Uncertain significance. Last evaluated: 2019-05-17. Review status: criteria provided, single submitter. Criteria: GeneDx Variant Classification Process June 2021. Collection method: clinical testing. Allele origin: germline. Affected: yes.
Comment: Not observed in large population cohorts (Lek et al., 2016); In silico analysis, which includes protein predictors and evolutionary conservation, supports a deleterious effect; Has not been previously published as pathogenic or benign to our knowledge

NM_001395656.1(ROBO2):c.3335T>G (p.Leu1112Trp)

Gene: ROBO2 (roundabout guidance receptor 2; plus strand). Cytogenetic location: 3p12.3.
Variant type: single nucleotide variant.
Coding change: c.3335T>G on transcript NM_001395656.1 (MANE Select); coding-DNA position 3335, T replaced by G.
Protein change: p.Leu1112Trp; replaces leucine 1112 with tryptophan.
Molecular consequence: missense variant.
Genome position (GRCh38, 1-based): chr3:77,617,542, T>G. VCF-style: chr3-77617542-T-G. GRCh37 (hg19) VCF-style: chr3-77666693-T-G.
Other names: c.3383T>G, p.Leu1128Trp (NM_001378190.1, NM_001378200.1, NM_001378201.1 and 1 more transcripts); c.3509T>G, p.Leu1170Trp (NM_001378191.1, NM_001378195.1, NM_001378196.1); c.3404T>G, p.Leu1135Trp (NM_001378192.1, NM_001378198.1, NM_001378199.1); c.3323T>G, p.Leu1108Trp (NM_001378193.1, NM_002942.5); c.3521T>G, p.Leu1174Trp (NM_001378194.1); c.3449T>G, p.Leu1150Trp (NM_001378197.1); c.3326T>G, p.Leu1109Trp (NM_001378202.1); c.3518T>G, p.Leu1173Trp (NM_001394212.1, NM_001395657.1); and 5 more; short protein forms L1108W, L1109W, L1112W, L1124W, L1128W, L1131W, L1135W, L1150W.
Identifiers: ClinVar variation 1306046 (VCV001306046.3), dbSNP rs2153702946, ClinGen allele CA353531375.